The following is an entry in ClinVar:

ClinVar aggregate classification (germline): Uncertain significance (1 of 4 stars; one submission).

Allele frequency attached by ClinVar (database versions not stated): TOPMed 0.00001; ESP Exome Variant Server 0.00008.
gnomAD v4.1: 24 of 1,612,802 alleles (0.0015%); highest among the groups gnomAD compares: South Asian, 0.018%; 1 homozygote.

Submissions (2):

Ambry Genetics
Classification: Uncertain significance. Last evaluated: 2024-06-19. Review status: criteria provided, single submitter. Criteria: Ambry Variant Classification Scheme 2023. Collection method: clinical testing. Allele origin: germline.
Comment: The p.R301Q variant (also known as c.902G>A), located in coding exon 1 of the PALLD gene, results from a G to A substitution at nucleotide position 902. The arginine at codon 301 is replaced by glutamine, an amino acid with highly similar properties. This amino acid position is conserved. In addition, this alteration is predicted to be tolerated by in silico analysis. Since supporting evidence is limited at this time, the clinical significance of this alteration remains unclear.

Dr. Peter K. Rogan Lab, Western University
No classification provided (evidence only). Condition: Malignant tumor of urinary bladder. Review status: no classification provided. Collection method: in vitro. Allele origin: not applicable. Functional consequence: retained intron. Not counted in ClinVar's aggregate classification.

NM_001166108.2(PALLD):c.902G>A (p.Arg301Gln)

Gene: PALLD (palladin, cytoskeletal associated protein; plus strand). Cytogenetic location: 4q32.3.
Variant type: single nucleotide variant.
Coding change: c.902G>A on transcript NM_001166108.2 (MANE Select); coding-DNA position 902, G replaced by A.
Protein change: p.Arg301Gln; replaces arginine 301 with glutamine.
Molecular consequence: missense variant.
Genome position (GRCh38, 1-based): chr4:168,512,406, G>A. VCF-style: chr4-168512406-G-A. GRCh37 (hg19) VCF-style: chr4-169433557-G-A.
Other names: NC_000004.11:g.169433557G>A; c.902G>A, p.Arg301Gln (NM_016081.4); short protein forms R301Q.
Identifiers: ClinVar variation 1765533 (VCV001765533.4), dbSNP rs370466913, ClinGen allele CA3135453.